The following is an entry in ClinVar:

ClinVar aggregate classification (germline): Likely benign. Review status: criteria provided, multiple submitters, no conflicts (2 of 4 stars). 3 submissions from 3 submitters: Likely benign (3). Last evaluated 2025-08-17.

Conditions:
Ataxia-telangiectasia syndrome (AT). Also called: Cerebello-oculocutaneous telangiectasia; Immunodeficiency with ataxia telangiectasia; Ataxia-telangiectasia, complementation group E; Ataxia telangiectasia (A-T); LOUIS-BAR SYNDROME; ATAXIA-TELANGIECTASIA, COMPLEMENTATION GROUP A. Identifiers: Orphanet 100, MedGen C0004135, MONDO:0008840, OMIM 208900.
Hereditary cancer-predisposing syndrome. Also called: Hereditary Cancer Syndrome; Hereditary neoplastic syndrome; Tumor predisposition; Neoplastic Syndromes, Hereditary. Identifiers: Orphanet 140162, MedGen C0027672, MeSH D009386, MONDO:0015356.
Familial cancer of breast. Also called: Hereditary breast cancer; hereditary breast carcinoma; BREAST CANCER, FAMILIAL. Identifiers: Orphanet 227535, MedGen C0346153, MONDO:0016419, OMIM 114480. Disease mechanism: loss of function.

Allele frequency attached by ClinVar (database versions not stated): gnomAD 0.00001.
gnomAD v4.1: 1 of 1,577,766 alleles (0.000063%); highest among the groups gnomAD compares: East Asian, 0.0023%; no homozygotes.

Submissions (3):

Labcorp Genetics (formerly Invitae), Labcorp
Classification: Likely benign for Ataxia-telangiectasia syndrome. Last evaluated: 2025-08-17. Review status: criteria provided, single submitter. Criteria: Invitae Variant Classification Sherloc (09022015). Collection method: clinical testing. Allele origin: germline.

Myriad Genetics, Inc.
Classification: Likely benign for Familial cancer of breast. Last evaluated: 2024-05-15. Review status: criteria provided, single submitter. Criteria: Myriad Autosomal Dominant, Autosomal Recessive and X-Linked Classification Criteria (2023). Collection method: clinical testing. Allele origin: unknown.
Comment: This variant is considered likely benign. This variant is intronic and is not expected to impact mRNA splicing.

Color Diagnostics, LLC DBA Color Health
Classification: Likely benign for Hereditary cancer-predisposing syndrome. Last evaluated: 2022-11-16. Review status: criteria provided, single submitter. Criteria: ACMG Guidelines, 2015. Collection method: clinical testing. Allele origin: germline.

NM_000051.4(ATM):c.3747-15T>C

Gene: ATM (ATM serine/threonine kinase; plus strand). Cytogenetic location: 11q22.3.
Variant type: single nucleotide variant.
Coding change: c.3747-15T>C on transcript NM_000051.4 (MANE Select); 15 bases into the intron before coding-DNA position 3747, T replaced by C.
Molecular consequence: intron variant.
Genome position (GRCh38, 1-based): chr11:108,284,212, T>C. VCF-style: chr11-108284212-T-C. GRCh37 (hg19) VCF-style: chr11-108154939-T-C.
Other names: c.3747-15T>C (NM_001351834.2).
Identifiers: ClinVar variation 2774637 (VCV002774637.4), dbSNP rs995903726, ClinGen allele CA228367952.
Genomic context (GRCh38, chr11:108,284,212, plus strand): 5'-TTTTAAGAACTATTTTATAAAATTTTACTTGGAAAAGTTATATATAACCTGTATTTTAAA[T>C]TTTTCTATTTTTAGATCTTGTTATAAGGTTTTGATTCCACATCTGGTGATTAGAAGTCAT-3'